The following is an entry in ClinVar:

NM_007294.4(BRCA1):c.1685T>C (p.Ile562Thr)

Gene: BRCA1 (BRCA1 DNA repair associated; minus strand). Cytogenetic location: 17q21.31.
Variant type: single nucleotide variant.
Coding change: c.1685T>C on transcript NM_007294.4 (MANE Select); coding-DNA position 1685, T replaced by C.
Protein change: p.Ile562Thr; replaces isoleucine 562 with threonine.
Molecular consequence: missense variant. On other transcripts: intron variant (137).
Genome position (GRCh38, 1-based): chr17:43,093,846, A>G on the plus strand (T>C on the coding strand, the complement: BRCA1 is on the minus strand). VCF-style: chr17-43093846-A-G. GRCh37 (hg19) VCF-style: chr17-41245863-A-G.
Other names: c.646+898T>C (NM_001408460.1, NM_001408454.1, NM_001408458.1 and 11 more transcripts); c.1685T>C, p.Ile562Thr (NM_001407621.1, NM_001407622.1, NM_001407623.1 and 30 more transcripts); c.1682T>C, p.Ile561Thr (NM_001407627.1, NM_001407628.1, NM_001407629.1 and 22 more transcripts); c.586+898T>C (NM_001408476.1, NM_001408474.1); c.709+898T>C (NM_001408409.1, NM_001408412.1, NM_001408414.1 and 2 more transcripts); c.574+898T>C (NM_001408493.1, NM_001408490.1, NM_001408491.1); c.454+898T>C (NM_001408502.1); c.577+898T>C (NM_001408489.1, NM_001408479.1, NM_001408481.1 and 9 more transcripts); and 40 more; short protein forms I562T, I515T, I434T, I435T, I451T, I473T, I474T, I491T.
Identifiers: ClinVar variation 531291 (VCV000531291.14), dbSNP rs1555591375, ClinGen allele CA10598660.

ClinVar aggregate classification (germline): Conflicting classifications of pathogenicity. Review status: criteria provided, conflicting classifications (1 of 4 stars). 3 submissions from 3 submitters: Uncertain significance (2); Likely benign (1). Last evaluated 2023-05-05.

Conditions:
Hereditary cancer-predisposing syndrome. Also called: Hereditary neoplastic syndrome; Neoplastic Syndromes, Hereditary; Tumor predisposition; Hereditary Cancer Syndrome. Identifiers: Orphanet 140162, MedGen C0027672, MeSH D009386, MONDO:0015356.
Hereditary breast ovarian cancer syndrome. Also called: Hereditary breast and ovarian cancer syndrome (HBOC); BRCA1- and BRCA2-Associated Hereditary Breast and Ovarian Cancer; Hereditary breast and ovarian cancer syndrome; Breast and ovarian cancer; Hereditary breast and ovarian cancer; Hereditary breast and/or ovarian cancer syndrome. Identifiers: Orphanet 145, MedGen C0677776, MeSH D061325, MONDO:0003582. Disease mechanism: loss of function.

Submissions (3):

Labcorp Genetics (formerly Invitae), Labcorp
Classification: Uncertain significance for Hereditary breast ovarian cancer syndrome. Last evaluated: 2023-05-05. Review status: criteria provided, single submitter. Criteria: Invitae Variant Classification Sherloc (09022015). Collection method: clinical testing. Allele origin: germline.
Comment: ClinVar contains an entry for this variant (Variation ID: 531291). Advanced modeling of protein sequence and biophysical properties (such as structural, functional, and spatial information, amino acid conservation, physicochemical variation, residue mobility, and thermodynamic stability) performed at Invitae indicates that this missense variant is not expected to disrupt BRCA1 protein function. In summary, the available evidence is currently insufficient to determine the role of this variant in disease. Therefore, it has been classified as a Variant of Uncertain Significance. This sequence change replaces isoleucine, which is neutral and non-polar, with threonine, which is neutral and polar, at codon 562 of the BRCA1 protein (p.Ile562Thr). This variant is not present in population databases (gnomAD no frequency). This variant has not been reported in the literature in individuals affected with BRCA1-related conditions.

University of Washington Department of Laboratory Medicine, University of Washington
Classification: Likely benign for Hereditary cancer-predisposing syndrome. Last evaluated: 2023-03-23. Review status: criteria provided, single submitter. Criteria: Dines et al. (Genet Med. 2020). Collection method: curation. Allele origin: germline.
Comment: Missense variant in a coldspot region where missense variants are very unlikely to be pathogenic (PMID:31911673).

BRCA1 coldspot (exon 11 using historical exon numbering). Reclassification based on statistical prior probability

Color Diagnostics, LLC DBA Color Health
Classification: Uncertain significance for Hereditary cancer-predisposing syndrome. Last evaluated: 2020-10-26. Review status: criteria provided, single submitter. Criteria: ACMG Guidelines, 2015. Collection method: clinical testing. Allele origin: germline.
Comment: This missense variant replaces isoleucine with threonine at codon 562 of the BRCA1 protein. Computational prediction suggests that this variant may not impact protein structure and function (internally defined REVEL score threshold <= 0.5, PMID: 27666373). To our knowledge, functional studies have not been reported for this variant. This variant has not been reported in individuals affected with hereditary cancer in the literature. This variant has not been identified in the general population by the Genome Aggregation Database (gnomAD). The available evidence is insufficient to determine the role of this variant in disease conclusively. Therefore, this variant is classified as a Variant of Uncertain Significance.